The following is an entry in ClinVar:

NM_001707.4(BCL7B):c.93-1396T>G

Gene: BCL7B (BAF chromatin remodeling complex subunit BCL7B; minus strand). Cytogenetic location: 7q11.23.
Variant type: single nucleotide variant.
Coding change: c.93-1396T>G on transcript NM_001707.4 (MANE Select); 1396 bases into the intron before coding-DNA position 93, T replaced by G.
Molecular consequence: intron variant. On other transcripts: missense variant (1).
Genome position (GRCh38, 1-based): chr7:73,553,638, A>C on the plus strand (T>G on the coding strand, the complement: BCL7B is on the minus strand). VCF-style: chr7-73553638-A-C. GRCh37 (hg19) VCF-style: chr7-72967968-A-C.
Other names: c.35T>G, p.Val12Gly (NM_001301061.2); c.93-1396T>G (NM_001197244.2); short protein forms V12G.
Identifiers: ClinVar variation 2657555 (VCV002657555.24), dbSNP rs150783798, ClinGen allele CA367811830.
Genomic context (GRCh38, chr7:73,553,638, plus strand): 5'-CAGGAGAATTGCTTGAACCTGAGAGGCAGAGGTTGCAGTGAGCCGAGATTGCGCCAATGC[A>C]CTCCAGCCTGGGTGACAGAGCGAGATTCCGTCTCAAAAAAAAAAAGAAAGAAAACTAGTC-3'

ClinVar aggregate classification (germline): Likely benign (1 of 4 stars; one submission).

Allele frequency attached by ClinVar (database versions not stated): 1000 Genomes Project 30x 0.00500; 1000 Genomes Project 0.00619; gnomAD exomes 0.01803.
gnomAD v4.1: 618 of 153,826 alleles (0.4%); highest among the groups gnomAD compares: Middle Eastern, 2.3%; 2 homozygotes.

Submission:

CeGaT Center for Human Genetics Tuebingen
Classification: Likely benign. Last evaluated: 2022-05-01. Review status: criteria provided, single submitter. Criteria: CeGaT Center For Human Genetics Tuebingen Variant Classification Criteria Version 2. Collection method: clinical testing. Allele origin: germline. Affected: yes. Observed: 1 variant allele.
Comment: BCL7B: BS2